The following is an entry in ClinVar:

NM_001127208.3(TET2):c.899A>G (p.Asp300Gly)

Genes: TET2 (tet methylcytosine dioxygenase 2; plus strand), TET2-AS1 (TET2 antisense RNA 1; minus strand). Cytogenetic location: 4q24.
Variant type: single nucleotide variant.
Coding change: c.899A>G on transcript NM_001127208.3 (MANE Select); coding-DNA position 899, A replaced by G.
Protein change: p.Asp300Gly; replaces aspartic acid 300 with glycine.
Molecular consequence: missense variant.
Genome position (GRCh38, 1-based): chr4:105,234,841, A>G. VCF-style: chr4-105234841-A-G. GRCh37 (hg19) VCF-style: chr4-106155998-A-G.
Other names: c.899A>G, p.Asp300Gly (NM_017628.4); short protein forms D300G.
Identifiers: ClinVar variation 135307 (VCV000135307.1), dbSNP rs587778706, ClinGen allele CA162300.
Genomic context (GRCh38, chr4:105,234,841, plus strand): 5'-CTAACTCTGAGCTGCCTCCAAAGCCAGCTGCAGTGGTGAGTGAGGCCTGTGATGCTGATG[A>G]TGCTGATAATGCCAGTAAACTAGCTGCAATGCTAAATACCTGTTCCTTTCAGAAACCAGA-3'
Protein context (NP_001120680.1, residues 290-310): AVVSEACDAD[Asp300Gly]ADNASKLAAM

ClinVar aggregate classification (germline): not provided (0 of 4 stars; one submission).

Allele frequency attached by ClinVar (database versions not stated): gnomAD exomes below 0.00001.
gnomAD v4.1: 2 of 1,614,082 alleles (0.00012%); highest among the groups gnomAD compares: Non-Finnish European, 0.00017%; no homozygotes.

Submission:

ITMI
No classification provided. Condition: AllHighlyPenetrant. Last evaluated: 2013-09-19. Review status: no classification provided. Collection method: reference population. Allele origin: germline.
Comment: Please see associated publication for description of ethnicities

Literature cited by the submitters: PubMed 24728327.